The following is an entry in ClinVar:

NM_017696.3(MCM9):c.2709A>G (p.Glu903=)

Gene: MCM9 (minichromosome maintenance 9 homologous recombination repair factor; minus strand). Cytogenetic location: 6q22.31.
Variant type: single nucleotide variant.
Coding change: c.2709A>G on transcript NM_017696.3 (MANE Select); coding-DNA position 2709, A replaced by G.
Protein change: p.Glu903=; no amino-acid change (glutamic acid 903 retained).
Molecular consequence: synonymous variant. On other transcripts: 3 prime UTR variant (4), non-coding transcript variant (1).
Genome position (GRCh38, 1-based): chr6:118,815,547, T>C on the plus strand (A>G on the coding strand, the complement: MCM9 is on the minus strand). VCF-style: chr6-118815547-T-C. GRCh37 (hg19) VCF-style: chr6-119136710-T-C.
Other names: c.2709A>G, p.Glu903= (NM_001378356.1, NM_001378357.1); c.*616A>G (NM_001378359.1, NM_001378360.1, NM_001378366.1 and 1 more transcripts); c.2505A>G, p.Glu835= (NM_001378364.1).
Identifiers: ClinVar variation 3352333 (VCV003352333.1).
Genomic context (GRCh38, chr6:118,815,547, plus strand): 5'-AAATTTTGCCAGTTTGGCCACAGGGGAACCTGGAGGCTTAACATTTTCAATTGCAGGCTC[T>C]TCCACTTGCGCAAGGGATTTCGGTCTCTTTCTTTTGGGTGAGTCCAGCATTCTGTCTGGG-3'
Protein context (NP_060166.2, residues 893-913): RKRPKSLAQV[Glu903=]EPAIENVKPP

ClinVar aggregate classification (germline): Likely benign (0 of 4 stars; one submission).

Conditions:
MCM9-related disorder. Also called: MCM9-related condition.

gnomAD v4.1: 180 of 1,549,750 alleles (0.012%); highest among the groups gnomAD compares: East Asian, 0.19%; 1 homozygote.

Submission:

PreventionGenetics, part of Exact Sciences
Classification: Likely benign for MCM9-related condition. Last evaluated: 2024-09-09. Review status: no assertion criteria provided. Collection method: clinical testing. Allele origin: germline.
Comment: This variant is classified as likely benign based on ACMG/AMP sequence variant interpretation guidelines (Richards et al. 2015 PMID: 25741868, with internal and published modifications).